The following is an entry in ClinVar:

ClinVar aggregate classification (germline): Pathogenic (1 of 4 stars; one submission).

Conditions:
Inborn genetic diseases. Identifiers: MedGen C0950123, MeSH D030342.

Submission:

Ambry Genetics
Classification: Pathogenic for Inborn genetic diseases. Last evaluated: 2025-08-05. Review status: criteria provided, single submitter. Criteria: Ambry Variant Classification Scheme 2023. Collection method: clinical testing. Allele origin: germline.
Comment: The c.595delC (p.L199Cfs*6) alteration, located in exon 3 (coding exon 3) of the ARMC5 gene, consists of a deletion of one nucleotide at position 595, causing a translational frameshift with a predicted alternate stop codon after 6 amino acids. This alteration is expected to result in loss of function by premature protein truncation or nonsense-mediated mRNA decay. This variant was not reported in population-based cohorts in the Genome Aggregation Database (gnomAD). Based on the available evidence, this alteration is classified as pathogenic.

NM_001105247.2(ARMC5):c.595del (p.Leu199fs)

Gene: ARMC5 (armadillo repeat containing 5; plus strand). Cytogenetic location: 16p11.2.
Variant type: Deletion.
Coding change: c.595del on transcript NM_001105247.2 (MANE Select); coding-DNA position 595, one base deleted (C; older notation c.595delC).
Protein change: p.Leu199fs; shifts the reading frame from leucine 199.
Molecular consequence: frameshift variant.
Genome position (GRCh38, 1-based): chr16:31,462,142, C deleted; the last of 4 consecutive C bases (chr16:31,462,139-31,462,142); deleting any one gives the same sequence. VCF-style (leftmost placement, unchanged base first): chr16-31462138-TC-T. GRCh37 (hg19) VCF-style: chr16-31473459-TC-T.
Other names: c.880del, p.Leu294fs (NM_001288767.2); c.691del, p.Leu231fs (NM_001301820.1); c.595del, p.Leu199fs (NM_024742.2); short protein forms L294fs, L231fs, L199fs.
Identifiers: ClinVar variation 4146938 (VCV004146938.1).